The following is an entry in ClinVar:

ClinVar aggregate classification (germline): Conflicting classifications of pathogenicity. Review status: criteria provided, conflicting classifications (1 of 4 stars). 2 submissions from 2 submitters: Uncertain significance (1); Likely benign (1). Last evaluated 2023-03-23.

Conditions:
Hereditary cancer-predisposing syndrome. Also called: Neoplastic Syndromes, Hereditary; Tumor predisposition; Hereditary Cancer Syndrome; Hereditary neoplastic syndrome. Identifiers: Orphanet 140162, MedGen C0027672, MeSH D009386, MONDO:0015356.

Submissions (2):

University of Washington Department of Laboratory Medicine, University of Washington
Classification: Likely benign for Hereditary cancer-predisposing syndrome. Last evaluated: 2023-03-23. Review status: criteria provided, single submitter. Criteria: Dines et al. (Genet Med. 2020). Collection method: curation. Allele origin: germline.
Comment: Missense variant in a coldspot region where missense variants are very unlikely to be pathogenic (PMID:31911673).

BRCA2 exon 10 coldspot. Reclassification based on statistical prior probability.

Ambry Genetics
Classification: Uncertain significance for Hereditary cancer-predisposing syndrome. Last evaluated: 2017-01-18. Review status: criteria provided, single submitter. Criteria: Ambry Variant Classification Scheme 2023. Collection method: clinical testing. Allele origin: germline.
Comment: The p.S368P variant (also known as c.1102T>C), located in coding exon 9 of the BRCA2 gene, results from a T to C substitution at nucleotide position 1102. The serine at codon 368 is replaced by proline, an amino acid with similar properties. This amino acid position is not well conserved in available vertebrate species. In addition, this alteration is predicted to be tolerated by in silico analysis. Since supporting evidence is limited at this time, the clinical significance of this alteration remains unclear.

NM_000059.4(BRCA2):c.1102T>C (p.Ser368Pro)

Gene: BRCA2 (BRCA2 DNA repair associated; plus strand). Cytogenetic location: 13q13.1.
Variant type: single nucleotide variant.
Coding change: c.1102T>C on transcript NM_000059.4 (MANE Select); coding-DNA position 1102, T replaced by C.
Protein change: p.Ser368Pro; replaces serine 368 with proline.
Molecular consequence: missense variant.
Genome position (GRCh38, 1-based): chr13:32,332,580, T>C. VCF-style: chr13-32332580-T-C. GRCh37 (hg19) VCF-style: chr13-32906717-T-C.
Other names: short protein forms S368P.
Identifiers: ClinVar variation 483073 (VCV000483073.7), dbSNP rs1555281736, ClinGen allele CA387761562.
Genomic context (GRCh38, chr13:32,332,580, plus strand): 5'-GTGAAAGAAAAATACTCATTTGTATCTGAAGTGGAACCAAATGATACTGATCCATTAGAT[T>C]CAAATGTAGCAAATCAGAAGCCCTTTGAGAGTGGAAGTGACAAAATCTCCAAGGAAGTTG-3'
Protein context (NP_000050.3, residues 358-378): VEPNDTDPLD[Ser368Pro]NVANQKPFES